The following is an entry in ClinVar:

ClinVar aggregate classification (germline): Likely benign (0 of 4 stars; one submission).

Conditions:
KSR2-related disorder. Also called: KSR2-related condition.

gnomAD v4.1: 43 of 1,606,874 alleles (0.0027%); highest among the groups gnomAD compares: East Asian, 0.085%; no homozygotes.

Submission:

PreventionGenetics, part of Exact Sciences
Classification: Likely benign for KSR2-related condition. Last evaluated: 2024-06-21. Review status: no assertion criteria provided. Collection method: clinical testing. Allele origin: germline.
Comment: This variant is classified as likely benign based on ACMG/AMP sequence variant interpretation guidelines (Richards et al. 2015 PMID: 25741868, with internal and published modifications).

NM_173598.6(KSR2):c.321+6C>T

Gene: KSR2 (kinase suppressor of ras 2; minus strand). Cytogenetic location: 12q24.23.
Variant type: single nucleotide variant.
Coding change: c.321+6C>T on transcript NM_173598.6 (MANE Select); 6 bases into the intron after coding-DNA position 321, C replaced by T.
Molecular consequence: intron variant.
Genome position (GRCh38, 1-based): chr12:117,860,285, G>A on the plus strand (C>T on the coding strand, the complement: KSR2 is on the minus strand). VCF-style: chr12-117860285-G-A. GRCh37 (hg19) VCF-style: chr12-118298090-G-A.
Identifiers: ClinVar variation 3352474 (VCV003352474.1).